The following is an entry in ClinVar:

ClinVar aggregate classification (germline): Uncertain significance (1 of 4 stars; one submission).

Conditions:
Cardiovascular phenotype. Identifiers: MedGen CN230736.

Submission:

Ambry Genetics
Classification: Uncertain significance for Cardiovascular phenotype. Last evaluated: 2025-11-30. Review status: criteria provided, single submitter. Criteria: Ambry Variant Classification Scheme 2023. Collection method: clinical testing. Allele origin: germline.
Comment: The p.T161I variant (also known as c.482C>T), located in coding exon 5 of the SPRED1 gene, results from a C to T substitution at nucleotide position 482. The threonine at codon 161 is replaced by isoleucine, an amino acid with similar properties. This amino acid position is conserved. In addition, the in silico prediction for this alteration is inconclusive. Based on the available evidence, the clinical significance of this variant remains unclear.

NM_152594.3(SPRED1):c.482C>T (p.Thr161Ile)

Gene: SPRED1 (sprouty related EVH1 domain containing 1; plus strand). Cytogenetic location: 15q14.
Variant type: single nucleotide variant.
Coding change: c.482C>T on transcript NM_152594.3 (MANE Select); coding-DNA position 482, C replaced by T.
Protein change: p.Thr161Ile; replaces threonine 161 with isoleucine.
Molecular consequence: missense variant.
Genome position (GRCh38, 1-based): chr15:38,339,795, C>T. VCF-style: chr15-38339795-C-T. GRCh37 (hg19) VCF-style: chr15-38631996-C-T.
Other names: short protein forms T161I.
Identifiers: ClinVar variation 4615045 (VCV004615045.1).